The following is an entry in ClinVar:

NM_004183.4(BEST1):c.1400C>A (p.Ala467Asp)

Gene: BEST1 (bestrophin 1; plus strand). Cytogenetic location: 11q12.3.
Variant type: single nucleotide variant.
Coding change: c.1400C>A on transcript NM_004183.4 (MANE Select); coding-DNA position 1400, C replaced by A.
Protein change: p.Ala467Asp; replaces alanine 467 with aspartic acid.
Molecular consequence: missense variant. On other transcripts: non-coding transcript variant (1).
Genome position (GRCh38, 1-based): chr11:61,962,554, C>A. VCF-style: chr11-61962554-C-A. GRCh37 (hg19) VCF-style: chr11-61730026-C-A.
Other names: c.1220C>A, p.Ala407Asp (NM_001139443.3, NM_001300787.2); c.1139C>A, p.Ala380Asp (NM_001300786.2); c.1082C>A, p.Ala361Asp (NM_001363591.3); c.*295C>A (NM_001363592.2); c.428C>A, p.Ala143Asp (NM_001363593.3); short protein forms A143D, A361D, A380D, A407D, A467D.
Identifiers: ClinVar variation 1718791 (VCV001718791.6), dbSNP rs771979550, ClinGen allele CA380848824.
Genomic context (GRCh38, chr11:61,962,554, plus strand): 5'-TTAAGGCTGTGGACGCCTTCAAGTCTGCCCCACTGTATCAGAGGCCAGGCTACTACAGTG[C>A]CCCACAGACGCCCCTCAGCCCCACTCCCATGTTCTTCCCCCTAGAACCATCAGCGCCGTC-3'
Protein context (NP_004174.1, residues 457-477): PLYQRPGYYS[Ala467Asp]PQTPLSPTPM

ClinVar aggregate classification (germline): Uncertain significance. Review status: criteria provided, multiple submitters, no conflicts (2 of 4 stars). 2 submissions from 2 submitters: Uncertain significance (2). Last evaluated 2022-11-14.

Allele frequency attached by ClinVar (database versions not stated): TOPMed below 0.00001.
gnomAD v4.1: 1 of 1,614,048 alleles (0.000062%); highest among the groups gnomAD compares: African/African-American, 0.0013%; no homozygotes.

Submissions (2):

Blueprint Genetics
Classification: Uncertain significance. Last evaluated: 2022-11-14. Review status: criteria provided, single submitter. Criteria: ACMG Guidelines, 2015. Collection method: clinical testing. Allele origin: germline.

Labcorp Genetics (formerly Invitae), Labcorp
Classification: Uncertain significance. Last evaluated: 2022-09-03. Review status: criteria provided, single submitter. Criteria: Invitae Variant Classification Sherloc (09022015). Collection method: clinical testing. Allele origin: germline.
Comment: In summary, the available evidence is currently insufficient to determine the role of this variant in disease. Therefore, it has been classified as a Variant of Uncertain Significance. Algorithms developed to predict the effect of missense changes on protein structure and function are either unavailable or do not agree on the potential impact of this missense change (SIFT: "Tolerated"; PolyPhen-2: "Possibly Damaging"; Align-GVGD: "Class C0"). This variant has not been reported in the literature in individuals affected with BEST1-related conditions. This variant is not present in population databases (gnomAD no frequency). This sequence change replaces alanine, which is neutral and non-polar, with aspartic acid, which is acidic and polar, at codon 467 of the BEST1 protein (p.Ala467Asp).